The following is an entry in ClinVar:

NM_000059.4(BRCA2):c.3340C>G (p.Leu1114Val)

Gene: BRCA2 (BRCA2 DNA repair associated; plus strand). Cytogenetic location: 13q13.1.
Variant type: single nucleotide variant.
Coding change: c.3340C>G on transcript NM_000059.4 (MANE Select); coding-DNA position 3340, C replaced by G.
Protein change: p.Leu1114Val; replaces leucine 1114 with valine.
Molecular consequence: missense variant.
Genome position (GRCh38, 1-based): chr13:32,337,695, C>G. VCF-style: chr13-32337695-C-G. GRCh37 (hg19) VCF-style: chr13-32911832-C-G.
Other names: c.3340C>G, p.Leu1114Val (NM_001406719.1, NM_001406720.1); short protein forms L1114V.
Identifiers: ClinVar variation 1730417 (VCV001730417.4), dbSNP rs1468014859, ClinGen allele CA387776310.

ClinVar aggregate classification (germline): Conflicting classifications of pathogenicity. Review status: criteria provided, conflicting classifications (1 of 4 stars). 2 submissions from 2 submitters: Uncertain significance (1); Likely benign (1). Last evaluated 2023-03-23.

Conditions:
Hereditary cancer-predisposing syndrome. Also called: Neoplastic Syndromes, Hereditary; Tumor predisposition; Hereditary Cancer Syndrome; Hereditary neoplastic syndrome. Identifiers: Orphanet 140162, MedGen C0027672, MeSH D009386, MONDO:0015356.

Submissions (2):

University of Washington Department of Laboratory Medicine, University of Washington
Classification: Likely benign for Hereditary cancer-predisposing syndrome. Last evaluated: 2023-03-23. Review status: criteria provided, single submitter. Criteria: Dines et al. (Genet Med. 2020). Collection method: curation. Allele origin: germline.
Comment: Missense variant in a coldspot region where missense variants are very unlikely to be pathogenic (PMID:31911673).

BRCA2 exon 11 coldspot. Reclassification based on statistical prior probability.

Ambry Genetics
Classification: Uncertain significance for Hereditary cancer-predisposing syndrome. Last evaluated: 2021-06-24. Review status: criteria provided, single submitter. Criteria: Ambry Variant Classification Scheme 2023. Collection method: clinical testing. Allele origin: germline.
Comment: The p.L1114V variant (also known as c.3340C>G), located in coding exon 10 of the BRCA2 gene, results from a C to G substitution at nucleotide position 3340. The leucine at codon 1114 is replaced by valine, an amino acid with highly similar properties. This amino acid position is highly conserved in available vertebrate species. In addition, this alteration is predicted to be tolerated by in silico analysis. Since supporting evidence is limited at this time, the clinical significance of this alteration remains unclear.